The following is an entry in ClinVar:

ClinVar aggregate classification (germline): Uncertain significance (1 of 4 stars; one submission).

Submission:

Greenwood Genetic Center Diagnostic Laboratories, Greenwood Genetic Center
Classification: Uncertain significance. Last evaluated: 2024-01-23. Review status: criteria provided, single submitter. Criteria: ACMG Guidelines, 2015. Collection method: clinical testing. Allele origin: germline. Affected: yes.
Comment: PM2, PP2, PP3

NM_014991.6(WDFY3):c.4229G>T (p.Gly1410Val)

Gene: WDFY3 (WD repeat and FYVE domain containing 3; minus strand). Cytogenetic location: 4q21.23.
Variant type: single nucleotide variant.
Coding change: c.4229G>T on transcript NM_014991.6 (MANE Select); coding-DNA position 4229, G replaced by T.
Protein change: p.Gly1410Val; replaces glycine 1410 with valine.
Molecular consequence: missense variant.
Genome position (GRCh38, 1-based): chr4:84,780,244, C>A on the plus strand (G>T on the coding strand, the complement: WDFY3 is on the minus strand). VCF-style: chr4-84780244-C-A. GRCh37 (hg19) VCF-style: chr4-85701397-C-A.
Other names: short protein forms G1410V.
Identifiers: ClinVar variation 3235760 (VCV003235760.1), dbSNP rs2533309997, ClinGen allele CA357551023.
Genomic context (GRCh38, chr4:84,780,244, plus strand): 5'-GCTGCATATAACCCTTCCACATCAGAGGCCATGGCCACCAGGCCCAGGATGGCTGCAGCT[C>A]CACCAACGTACTGCAAAGTAGTGGCAACAGGCTTAGGGACAAATGTTCTTACTCCTGATT-3'
Protein context (NP_055806.2, residues 1400-1420): PVATTLQYVG[Gly1410Val]AAAILGLVAM